The following is an entry in ClinVar:

ClinVar aggregate classification (germline): Uncertain significance. Review status: criteria provided, multiple submitters, no conflicts (2 of 4 stars). 2 submissions from 2 submitters: Uncertain significance (2). Last evaluated 2022-08-09.

Conditions:
Hyperphosphatasia with impaired intellectual development syndrome 2. Also called: GLYCOSYLPHOSPHATIDYLINOSITOL BIOSYNTHESIS DEFECT 6; Hyperphosphatasia with intellectual disability syndrome 2. Identifiers: Orphanet 247262, MedGen C3553637, MONDO:0013882, OMIM 614749.

Allele frequency attached by ClinVar (database versions not stated): gnomAD exomes below 0.00001 and 0.00001; ExAC 0.00001; gnomAD 0.00001; TOPMed 0.00001.
gnomAD v4.1: 12 of 1,614,066 alleles (0.00074%); highest among the groups gnomAD compares: African/African-American, 0.0013%; no homozygotes.

Submissions (2):

Labcorp Genetics (formerly Invitae), Labcorp
Classification: Uncertain significance for Hyperphosphatasia with impaired intellectual development syndrome 2. Last evaluated: 2022-08-09. Review status: criteria provided, single submitter. Criteria: Invitae Variant Classification Sherloc (09022015). Collection method: clinical testing. Allele origin: germline.
Comment: This sequence change replaces arginine, which is basic and polar, with glutamine, which is neutral and polar, at codon 802 of the PIGO protein (p.Arg802Gln). This variant is present in population databases (rs771347652, gnomAD 0.004%). This variant has not been reported in the literature in individuals affected with PIGO-related conditions. ClinVar contains an entry for this variant (Variation ID: 432865). Algorithms developed to predict the effect of missense changes on protein structure and function (SIFT, PolyPhen-2, Align-GVGD) all suggest that this variant is likely to be tolerated. In summary, the available evidence is currently insufficient to determine the role of this variant in disease. Therefore, it has been classified as a Variant of Uncertain Significance.

GeneDx
Classification: Uncertain significance. Last evaluated: 2017-06-16. Review status: criteria provided, single submitter. Criteria: GeneDx Variant Classification (06012015). Collection method: clinical testing. Allele origin: germline. Affected: yes.
Comment: A variant of uncertain significance has been identified in the PIGO gene. The R802Q variant has not been published as a pathogenic variant, nor has it been reported as a benign variant to our knowledge. The R802Q variant is not observed at a significant frequency in large population cohorts (Lek et al., 2016; 1000 Genomes Consortium et al., 2015; Exome Variant Server). The R802Q variant is a semi-conservative amino acid substitution, which may impact secondary protein structure as these residues differ in some properties. This substitution occurs at a position that is conserved in mammals; however Glutamine has been seen at this position in evolution. In silico analysis is inconsistent in its predictions as to whether or not the variant is damaging to the protein structure/function. Therefore, based on the currently available information, it is unclear whether this variant is a pathogenic variant or a rare benign variant.

NM_032634.4(PIGO):c.2405G>A (p.Arg802Gln)

Gene: PIGO (phosphatidylinositol glycan anchor biosynthesis class O; minus strand). Cytogenetic location: 9p13.3.
Variant type: single nucleotide variant.
Coding change: c.2405G>A on transcript NM_032634.4 (MANE Select); coding-DNA position 2405, G replaced by A.
Protein change: p.Arg802Gln; replaces arginine 802 with glutamine.
Molecular consequence: missense variant. On other transcripts: intron variant (2).
Genome position (GRCh38, 1-based): chr9:35,091,482, C>T on the plus strand (G>A on the coding strand, the complement: PIGO is on the minus strand). VCF-style: chr9-35091482-C-T. GRCh37 (hg19) VCF-style: chr9-35091479-C-T.
Other names: c.1345-191G>A (NM_152850.4, NM_001201484.2); short protein forms R802Q.
Identifiers: ClinVar variation 432865 (VCV000432865.6), dbSNP rs771347652, ClinGen allele CA5040419.